The following is an entry in ClinVar:

ClinVar aggregate classification (germline): Uncertain significance (1 of 4 stars; one submission).

Conditions:
Charcot-Marie-Tooth disease dominant intermediate C (CMTDIC). Also called: CHARCOT-MARIE-TOOTH NEUROPATHY, DOMINANT INTERMEDIATE C. Identifiers: Orphanet 100045, MedGen C1842237, MONDO:0012012, OMIM 608323.

Submission:

Labcorp Genetics (formerly Invitae), Labcorp
Classification: Uncertain significance for Charcot-Marie-Tooth disease dominant intermediate C. Last evaluated: 2025-09-09. Review status: criteria provided, single submitter. Criteria: Invitae Variant Classification Sherloc (09022015). Collection method: clinical testing. Allele origin: germline.
Comment: This sequence change replaces valine, which is neutral and non-polar, with methionine, which is neutral and non-polar, at codon 469 of the YARS protein (p.Val469Met). This variant is not present in population databases (gnomAD no frequency). This variant has not been reported in the literature in individuals affected with YARS-related conditions. Invitae Evidence Modeling of protein sequence and biophysical properties (such as structural, functional, and spatial information, amino acid conservation, physicochemical variation, residue mobility, and thermodynamic stability) indicates that this missense variant is not expected to disrupt YARS protein function with a negative predictive value of 80%. In summary, the available evidence is currently insufficient to determine the role of this variant in disease. Therefore, it has been classified as a Variant of Uncertain Significance.

NM_003680.4(YARS1):c.1405G>A (p.Val469Met)

Gene: YARS1 (tyrosyl-tRNA synthetase 1; minus strand). Cytogenetic location: 1p35.1.
Variant type: single nucleotide variant.
Coding change: c.1405G>A on transcript NM_003680.4 (MANE Select); coding-DNA position 1405, G replaced by A.
Protein change: p.Val469Met; replaces valine 469 with methionine.
Molecular consequence: missense variant.
Genome position (GRCh38, 1-based): chr1:32,779,453, C>T on the plus strand (G>A on the coding strand, the complement: YARS1 is on the minus strand). VCF-style: chr1-32779453-C-T. GRCh37 (hg19) VCF-style: chr1-33245054-C-T.
Other names: short protein forms V469M.
Identifiers: ClinVar variation 4744527 (VCV004744527.1).